The following is an entry in ClinVar:

ClinVar aggregate classification (germline): Uncertain significance (1 of 4 stars; one submission).

Submission:

Labcorp Genetics (formerly Invitae), Labcorp
Classification: Uncertain significance. Last evaluated: 2023-09-01. Review status: criteria provided, single submitter. Criteria: Invitae Variant Classification Sherloc (09022015). Collection method: clinical testing. Allele origin: germline.
Comment: In summary, the available evidence is currently insufficient to determine the role of this variant in disease. Therefore, it has been classified as a Variant of Uncertain Significance. An algorithm developed to predict the effect of missense changes on protein structure and function (PolyPhen-2) suggests that this variant is likely to be tolerated. This variant has not been reported in the literature in individuals affected with COL11A2-related conditions. This variant is present in population databases (rs766136290, gnomAD 0.002%). This sequence change replaces glutamine, which is neutral and polar, with glutamic acid, which is acidic and polar, at codon 292 of the COL11A2 protein (p.Gln292Glu).

NM_080680.3(COL11A2):c.874C>G (p.Gln292Glu)

Gene: COL11A2 (collagen type XI alpha 2 chain; minus strand). Cytogenetic location: 6p21.32.
Variant type: single nucleotide variant.
Coding change: c.874C>G on transcript NM_080680.3 (MANE Select); coding-DNA position 874, C replaced by G.
Protein change: p.Gln292Glu; replaces glutamine 292 with glutamic acid.
Molecular consequence: missense variant. On other transcripts: intron variant (2).
Genome position (GRCh38, 1-based): chr6:33,185,703, G>C on the plus strand (C>G on the coding strand, the complement: COL11A2 is on the minus strand). VCF-style: chr6-33185703-G-C. GRCh37 (hg19) VCF-style: chr6-33153480-G-C.
Other names: c.874C>G, p.Gln292Glu (NM_001424108.1); c.28C>G, p.Gln10Glu (NM_001424109.1, NM_001424110.1, NM_001424111.1); c.798+924C>G (NM_080679.3); c.799-649C>G (NM_080681.3); short protein forms Q10E, Q292E.
Identifiers: ClinVar variation 2967530 (VCV002967530.3), dbSNP rs766136290, ClinGen allele CA3751540.